The following is an entry in ClinVar:

ClinVar aggregate classification (germline): Uncertain significance (1 of 4 stars; one submission).

Submission:

Labcorp Genetics (formerly Invitae), Labcorp
Classification: Uncertain significance. Last evaluated: 2021-12-22. Review status: criteria provided, single submitter. Criteria: Invitae Variant Classification Sherloc (09022015). Collection method: clinical testing. Allele origin: germline.
Comment: This sequence change replaces tyrosine, which is neutral and polar, with glycine, which is neutral and non-polar, at codon 411 of the XYLT2 protein (p.Tyr411Gly). Information on the frequency of this variant in the gnomAD database is not available, as this variant may be reported differently in the database. This variant has not been reported in the literature in individuals affected with XYLT2-related conditions. Algorithms developed to predict the effect of missense changes on protein structure and function are either unavailable or do not agree on the potential impact of this missense change (SIFT: "Not Available"; PolyPhen-2: "Benign"; Align-GVGD: "Not Available"). Algorithms developed to predict the effect of sequence changes on RNA splicing suggest that this variant may create or strengthen a splice site. In summary, the available evidence is currently insufficient to determine the role of this variant in disease. Therefore, it has been classified as a Variant of Uncertain Significance.

NM_022167.4(XYLT2):c.1231_1232delinsGG (p.Tyr411Gly)

Gene: XYLT2 (xylosyltransferase 2; plus strand). Cytogenetic location: 17q21.33.
Variant type: Indel.
Coding change: c.1231_1232delinsGG on transcript NM_022167.4 (MANE Select); coding-DNA positions 1231 to 1232, TA replaced by GG.
Protein change: p.Tyr411Gly; replaces tyrosine 411 with glycine.
Molecular consequence: missense variant.
Genome position (GRCh38, 1-based): chr17:50,355,923-50,355,924, TA replaced by GG. VCF-style: chr17-50355923-TA-GG. GRCh37 (hg19) VCF-style: chr17-48433284-TA-GG.
Other names: short protein forms Y411G.
Identifiers: ClinVar variation 2053148 (VCV002053148.4), dbSNP rs2543951783, ClinGen allele CA2580094185.